The following is an entry in ClinVar:

ClinVar aggregate classification (germline): Pathogenic/Likely pathogenic. Review status: criteria provided, multiple submitters, no conflicts (2 of 4 stars). 2 submissions from 2 submitters: Pathogenic (1); Likely pathogenic (1). Last evaluated 2024-01-25.

Conditions:
COL2A1-related disorder. Also called: COL2A1-related condition; COL2A1-related disorders.

Submissions (2):

Labcorp Genetics (formerly Invitae), Labcorp
Classification: Pathogenic. Last evaluated: 2024-01-25. Review status: criteria provided, single submitter. Criteria: Invitae Variant Classification Sherloc (09022015). Collection method: clinical testing. Allele origin: germline.
Comment: This sequence change creates a premature translational stop signal (p.Pro497Valfs*131) in the COL2A1 gene. It is expected to result in an absent or disrupted protein product. Loss-of-function variants in COL2A1 are known to be pathogenic (PMID: 20179744). This variant is not present in population databases (gnomAD no frequency). This variant has not been reported in the literature in individuals affected with COL2A1-related conditions. Algorithms developed to predict the effect of sequence changes on RNA splicing suggest that this variant may disrupt the consensus splice site. For these reasons, this variant has been classified as Pathogenic.

Blueprint Genetics
Classification: Likely pathogenic for COL2A1-related disorders. Last evaluated: 2022-08-25. Review status: criteria provided, single submitter. Criteria: ACMG Guidelines, 2015. Collection method: clinical testing. Allele origin: germline. Affected: yes. Observed: 1 variant allele.

Literature cited by the submitters: PubMed 20179744 (cited by Labcorp Genetics (formerly Invitae), Labcorp).

NM_001844.5(COL2A1):c.1489_1492del (p.Pro497fs)

Gene: COL2A1 (collagen type II alpha 1 chain; minus strand). Cytogenetic location: 12q13.11.
Variant type: Deletion.
Coding change: c.1489_1492del on transcript NM_001844.5 (MANE Select); coding-DNA positions 1489 to 1492, 4 bases deleted (CCTG; older notation c.1489_1492delCCTG).
Protein change: p.Pro497fs; shifts the reading frame from proline 497.
Molecular consequence: frameshift variant.
Genome position (GRCh38, 1-based): chr12:47,986,371-47,986,374, CAGG deleted on the plus strand (CCTG on the coding strand, the reverse complement: COL2A1 is on the minus strand); deleting any 4 consecutive bases within chr12:47,986,371-47,986,375 gives the same sequence; the c. name uses the placement nearest the transcript's 3' end. VCF-style (leftmost placement, unchanged base first): chr12-47986370-CCAGG-C. GRCh37 (hg19) VCF-style: chr12-48380153-CCAGG-C.
Other names: c.1282_1285del, p.Pro428fs (NM_033150.3); short protein forms P497fs, P428fs.
Identifiers: ClinVar variation 2700729 (VCV002700729.4), dbSNP rs2540149005, ClinGen allele CA2697559220.